The following is an entry in ClinVar:

NM_139027.6(ADAMTS13):c.3254_3255del (p.Ser1085fs)

Gene: ADAMTS13 (ADAM metallopeptidase with thrombospondin type 1 motif 13; plus strand). Cytogenetic location: 9q34.2.
Variant type: Microsatellite.
Coding change: c.3254_3255del on transcript NM_139027.6 (MANE Select); coding-DNA positions 3254 to 3255, 2 bases deleted (CT; older notation c.3254_3255delCT).
Protein change: p.Ser1085fs; shifts the reading frame from serine 1085.
Molecular consequence: frameshift variant. On other transcripts: non-coding transcript variant (1).
Genome position (GRCh38, 1-based): chr9:133,455,289-133,455,290, CT deleted; deleting any 2 consecutive bases within chr9:133,455,287-133,455,290 gives the same sequence; the c. name uses the placement nearest the transcript's 3' end. VCF-style (leftmost placement, unchanged base first): chr9-133455286-GCT-G. GRCh37 (hg19) VCF-style: chr9-136320408-GCT-G.
Other names: c.3254_3255del, p.Ser1085fs (NM_139025.5); c.3161_3162del, p.Ser1054fs (NM_139026.6); short protein forms S1054fs, S1085fs.
Identifiers: ClinVar variation 4709715 (VCV004709715.1).

ClinVar aggregate classification (germline): Pathogenic (1 of 4 stars; one submission).

Submission:

Labcorp Genetics (formerly Invitae), Labcorp
Classification: Pathogenic. Last evaluated: 2025-10-08. Review status: criteria provided, single submitter. Criteria: Invitae Variant Classification Sherloc (09022015). Collection method: clinical testing. Allele origin: germline.
Comment: This sequence change creates a premature translational stop signal (p.Ser1085Cysfs*12) in the ADAMTS13 gene. It is expected to result in an absent or disrupted protein product. Loss-of-function variants in ADAMTS13 are known to be pathogenic (PMID: 11586351, 12753286, 21781265). This variant is not present in population databases (gnomAD no frequency). This premature translational stop signal has been observed in individual(s) with congenital thrombotic thrombocytopenic purpura (PMID: 15009458). This variant is also known as Del 3252–3253CT. For these reasons, this variant has been classified as Pathogenic.

Literature cited by the submitters: PubMed 11586351; PubMed 12753286; PubMed 21781265; PubMed 15009458.